The following is an entry in ClinVar:

ClinVar aggregate classification (germline): Conflicting classifications of pathogenicity. Review status: criteria provided, conflicting classifications (1 of 4 stars). 6 submissions from 6 submitters: Uncertain significance (1); Benign (3); Likely benign (1). 1 of the submissions does not count toward it. Last evaluated 2026-08-07.

Conditions:
Retinitis pigmentosa 12 (RP12). Also called: RP WITH OR WITHOUT PRESERVED PARAARTERIOLE RETINAL PIGMENT EPITHELIUM; RETINITIS PIGMENTOSA WITH OR WITHOUT PARAARTERIOLAR PRESERVATION OF RETINAL PIGMENT EPITHELIUM; RP WITH OR WITHOUT PPRPE. Identifiers: Orphanet 791, MedGen C1838647, MONDO:0010818, OMIM 600105.
Leber congenital amaurosis 8 (LCA8). Identifiers: Orphanet 65, MedGen C3151202, MONDO:0013453, OMIM 613835.
Leber congenital amaurosis (LCA). Also called: Leber's amaurosis. Identifiers: Orphanet 65, MedGen C0339527, MeSH D057130, MONDO:0018998.
CRB1-related disorder. Also called: CRB1-related condition; CRB1-related disorders.

Allele frequency attached by ClinVar (database versions not stated): gnomAD exomes 0.00041 and 0.00105; ExAC 0.00101; 1000 Genomes Project 0.00240; gnomAD 0.00244 and 0.00265; ESP Exome Variant Server 0.00284; TOPMed 0.00291; 1000 Genomes Project 30x 0.00297.
gnomAD v4.1: 984 of 1,614,180 alleles (0.061%); highest among the groups gnomAD compares: African/African-American, 0.89%; 5 homozygotes.

Submissions (7):

PreventionGenetics, part of Exact Sciences
Classification: Benign for CRB1-related condition. Last evaluated: 2026-08-07. Review status: criteria provided, single submitter. Criteria: ACMG Guidelines, 2015. Collection method: clinical testing. Allele origin: germline.
Comment: This variant is classified as benign based on ACMG/AMP sequence variant interpretation guidelines (Richards et al. 2015 PMID: 25741868, with internal and published modifications).

Labcorp Genetics (formerly Invitae), Labcorp
Classification: Benign for Leber congenital amaurosis 8; Retinitis pigmentosa 12. Last evaluated: 2026-02-03. Review status: criteria provided, single submitter. Criteria: Invitae Variant Classification Sherloc (09022015). Collection method: clinical testing. Allele origin: germline.

Blueprint Genetics
Classification: Likely benign. Last evaluated: 2024-10-17. Review status: criteria provided, single submitter. Criteria: ACMG Guidelines, 2015. Collection method: clinical testing. Allele origin: germline.

Eurofins Ntd Llc (ga)
Classification: Uncertain significance. Last evaluated: 2016-05-20. Review status: criteria provided, single submitter. Criteria: EGL Classification Definitions 2015. Collection method: clinical testing. Allele origin: germline. Observed: 1 variant allele, 1 heterozygote.

GeneDx
Classification: Benign. Last evaluated: 2015-03-03. Review status: criteria provided, single submitter. Criteria: GeneDx Variant Classification Process June 2021. Collection method: clinical testing. Allele origin: germline. Affected: yes.

Natera, Inc.
Classification: Benign for Leber congenital amaurosis. Last evaluated: 2019-11-11. Review status: no assertion criteria provided. Collection method: clinical testing. Allele origin: germline. Not counted in ClinVar's aggregate classification.

Dr. Peter K. Rogan Lab, Western University
No classification provided (evidence only). Condition: Gastric cancer. Review status: no classification provided. Collection method: in vitro. Allele origin: not applicable. Functional consequence: retained intron. Not counted in ClinVar's aggregate classification.

NM_201253.3(CRB1):c.1470C>T (p.Gly490=)

Gene: CRB1 (crumbs cell polarity complex component 1; plus strand). Cytogenetic location: 1q31.3.
Variant type: single nucleotide variant.
Coding change: c.1470C>T on transcript NM_201253.3 (MANE Select); coding-DNA position 1470, C replaced by T.
Protein change: p.Gly490=; no amino-acid change (glycine 490 retained).
Molecular consequence: synonymous variant. On other transcripts: non-coding transcript variant (2).
Genome position (GRCh38, 1-based): chr1:197,421,298, C>T. VCF-style: chr1-197421298-C-T. GRCh37 (hg19) VCF-style: chr1-197390428-C-T.
Other names: c.1470C>T, p.Gly490= (NM_001257966.2); c.1134C>T, p.Gly378= (NM_001193640.2); c.1263C>T, p.Gly421= (NM_001257965.2).
Identifiers: ClinVar variation 287584 (VCV000287584.22), dbSNP rs35193230, ClinGen allele CA1311926.